The following is an entry in ClinVar:

NM_001128840.3(CACNA1D):c.5409-4A>G

Gene: CACNA1D (calcium voltage-gated channel subunit alpha1 D; plus strand). Cytogenetic location: 3p21.1.
Variant type: single nucleotide variant.
Coding change: c.5409-4A>G on transcript NM_001128840.3 (MANE Select); 4 bases into the intron before coding-DNA position 5409, A replaced by G.
Molecular consequence: intron variant.
Genome position (GRCh38, 1-based): chr3:53,802,143, A>G. VCF-style: chr3-53802143-A-G. GRCh37 (hg19) VCF-style: chr3-53836170-A-G.
Other names: c.5363+718A>G (NM_001128839.3); c.5469-4A>G (NM_000720.4).
Identifiers: ClinVar variation 514691 (VCV000514691.12), dbSNP rs773683728, ClinGen allele CA2455128.

ClinVar aggregate classification (germline): Conflicting classifications of pathogenicity. Review status: criteria provided, conflicting classifications (1 of 4 stars). 5 submissions from 5 submitters: Uncertain significance (2); Likely benign (2). 1 of the submissions does not count toward it. Last evaluated 2025-10-15.

Conditions:
CACNA1D-related disorder.
Inborn genetic diseases. Identifiers: MedGen C0950123, MeSH D030342.

Allele frequency attached by ClinVar (database versions not stated): gnomAD 0.00001; ExAC 0.00002; gnomAD exomes 0.00003 and 0.00007; TOPMed 0.00006.
gnomAD v4.1: 18 of 1,607,072 alleles (0.0011%); highest among the groups gnomAD compares: Admixed American, 0.03%; no homozygotes.

Submissions (5):

Labcorp Genetics (formerly Invitae), Labcorp
Classification: Likely benign. Last evaluated: 2025-10-15. Review status: criteria provided, single submitter. Criteria: Invitae Variant Classification Sherloc (09022015). Collection method: clinical testing. Allele origin: germline.

GeneDx
Classification: Uncertain significance. Last evaluated: 2024-09-27. Review status: criteria provided, single submitter. Criteria: GeneDx Variant Classification Process June 2021. Collection method: clinical testing. Allele origin: germline. Affected: yes.
Comment: In silico analysis indicates that this variant does not alter splicing; Has not been previously published as pathogenic or benign to our knowledge

Ambry Genetics
Classification: Uncertain significance for Inborn genetic diseases. Last evaluated: 2021-01-27. Review status: criteria provided, single submitter. Criteria: Ambry Variant Classification Scheme 2023. Collection method: clinical testing. Allele origin: germline.
Comment: The c.5469-4A>G intronic alteration consists of a A to G substitution 4 nucleotides before coding exon 44 in the CACNA1D gene. Based on insufficient or conflicting evidence, the clinical significance of this alteration remains unclear.

Blueprint Genetics
Classification: Likely benign. Last evaluated: 2019-11-25. Review status: criteria provided, single submitter. Criteria: ACMG Guidelines, 2015. Collection method: clinical testing. Allele origin: germline.

PreventionGenetics, part of Exact Sciences
Classification: Likely benign for CACNA1D-related condition. Last evaluated: 2019-03-22. Review status: no assertion criteria provided. Collection method: clinical testing. Allele origin: germline. Not counted in ClinVar's aggregate classification.
Comment: This variant is classified as likely benign based on ACMG/AMP sequence variant interpretation guidelines (Richards et al. 2015 PMID: 25741868, with internal and published modifications).